The following is an entry in ClinVar:

ClinVar aggregate classification (germline): Uncertain significance. Review status: criteria provided, multiple submitters, no conflicts (2 of 4 stars). 2 submissions from 2 submitters: Uncertain significance (2). Last evaluated 2023-10-16.

Conditions:
Predisposition to cancer.
Hereditary cancer-predisposing syndrome. Also called: Neoplastic Syndromes, Hereditary; Tumor predisposition; Hereditary Cancer Syndrome; Hereditary neoplastic syndrome. Identifiers: Orphanet 140162, MedGen C0027672, MeSH D009386, MONDO:0015356.

Submissions (2):

St. Jude Molecular Pathology, St. Jude Children's Research Hospital
Classification: Uncertain significance for Predisposition to cancer. Last evaluated: 2023-10-16. Review status: criteria provided, single submitter. Criteria: St. Jude Assertion Criteria 2020. Collection method: clinical testing. Allele origin: germline.
Comment: The CHEK2 c.1583A>G (p.Glu528Gly) missense change is absent in gnomAD v2.1.1. The in silico tool REVEL predicts a benign effect on protein function, but to our knowledge this prediction has not been confirmed by functional studies. To our knowledge, this variant has not been reported in individuals with CHEK2-related disease. In summary, the evidence currently available is insufficient to determine the clinical significance of this variant. It has therefore been classified as of uncertain significance.

Ambry Genetics
Classification: Uncertain significance for Hereditary cancer-predisposing syndrome. Last evaluated: 2018-09-14. Review status: criteria provided, single submitter. Criteria: Ambry Variant Classification Scheme 2023. Collection method: clinical testing. Allele origin: germline.
Comment: The p.E528G variant (also known as c.1583A>G), located in coding exon 14 of the CHEK2 gene, results from an A to G substitution at nucleotide position 1583. The glutamic acid at codon 528 is replaced by glycine, an amino acid with similar properties. This amino acid position is highly conserved in available vertebrate species. In addition, this alteration is predicted to be tolerated by in silico analysis. Since supporting evidence is limited at this time, the clinical significance of this alteration remains unclear.

NM_007194.4(CHEK2):c.1583A>G (p.Glu528Gly)

Gene: CHEK2 (checkpoint kinase 2; minus strand). Cytogenetic location: 22q12.1.
Variant type: single nucleotide variant.
Coding change: c.1583A>G on transcript NM_007194.4 (MANE Select); coding-DNA position 1583, A replaced by G.
Protein change: p.Glu528Gly; replaces glutamic acid 528 with glycine.
Molecular consequence: missense variant.
Genome position (GRCh38, 1-based): chr22:28,687,946, T>C on the plus strand (A>G on the coding strand, the complement: CHEK2 is on the minus strand). VCF-style: chr22-28687946-T-C. GRCh37 (hg19) VCF-style: chr22-29083934-T-C.
Other names: c.1712A>G, p.Glu571Gly (NM_001005735.3); c.920A>G, p.Glu307Gly (NM_001257387.3); c.1382A>G, p.Glu461Gly (NM_001349956.3); c.1496A>G, p.Glu499Gly (NM_145862.3); short protein forms E571G, E307G, E528G, E461G, E499G.
Identifiers: ClinVar variation 819588 (VCV000819588.5), dbSNP rs1601697687, ClinGen allele CA411091230.
Genomic context (GRCh38, chr22:28,687,946, plus strand): 5'-AACCACGGAGTTCACAACACAGCAGCACACACAGCTGGGCGCTTTGTGGTCTCGGCACCC[T>C]CGGCTTCCCCTTCACGGGGCCGCTTTCGACTAGTAGAAGGCTGAAAATAAAGGAAAATGG-3'
Protein context (NP_009125.1, residues 518-538): SRKRPREGEA[Glu528Gly]GAETTKRPAV